The following is an entry in ClinVar:

ClinVar aggregate classification (germline): Uncertain significance. Review status: criteria provided, multiple submitters, no conflicts (2 of 4 stars). 2 submissions from 2 submitters: Uncertain significance (2). Last evaluated 2024-12-06.

Conditions:
Cyclical neutropenia. Also called: Cyclic Neutropenia; Cyclic hematopoiesis. Identifiers: Orphanet 2686, MedGen C0221023, MONDO:0008090, OMIM 162800, HP:0040289. Disease mechanism: loss of function.
Neutropenia, severe congenital, 1, autosomal dominant. Identifiers: MedGen C1859966, MONDO:0042490, OMIM 202700.
Inborn genetic diseases. Identifiers: MedGen C0950123, MeSH D030342.

Allele frequency attached by ClinVar (database versions not stated): gnomAD exomes below 0.00001 and 0.00001; ExAC 0.00002.

Submissions (2):

Ambry Genetics
Classification: Uncertain significance for Inborn genetic diseases. Last evaluated: 2024-12-06. Review status: criteria provided, single submitter. Criteria: Ambry Variant Classification Scheme 2023. Collection method: clinical testing. Allele origin: germline.
Comment: The p.L169M variant (also known as c.505C>A), located in coding exon 4 of the ELANE gene, results from a C to A substitution at nucleotide position 505. The leucine at codon 169 is replaced by methionine, an amino acid with highly similar properties. This amino acid position is conserved. In addition, this alteration is predicted to be deleterious by in silico analysis. Based on the available evidence, the clinical significance of this variant remains unclear.

Labcorp Genetics (formerly Invitae), Labcorp
Classification: Uncertain significance for Neutropenia, severe congenital, 1, autosomal dominant; Cyclical neutropenia. Last evaluated: 2019-04-18. Review status: criteria provided, single submitter. Criteria: Invitae Variant Classification Sherloc (09022015). Collection method: clinical testing. Allele origin: germline.
Comment: This sequence change replaces leucine with methionine at codon 169 of the ELANE protein (p.Leu169Met). The leucine residue is highly conserved and there is a small physicochemical difference between leucine and methionine. This variant is present in population databases (rs749675557, ExAC 0.003%). This variant has not been reported in the literature in individuals with ELANE-related conditions. Algorithms developed to predict the effect of missense changes on protein structure and function are either unavailable or do not agree on the potential impact of this missense change (SIFT: "Deleterious"; PolyPhen-2: "Probably Damaging"; Align-GVGD: "Class C0"). In summary, the available evidence is currently insufficient to determine the role of this variant in disease. Therefore, it has been classified as a Variant of Uncertain Significance.

NM_001972.4(ELANE):c.505C>A (p.Leu169Met)

Gene: ELANE (elastase, neutrophil expressed; plus strand). Cytogenetic location: 19p13.3.
Variant type: single nucleotide variant.
Coding change: c.505C>A on transcript NM_001972.4 (MANE Select); coding-DNA position 505, C replaced by A.
Protein change: p.Leu169Met; replaces leucine 169 with methionine.
Molecular consequence: missense variant.
Genome position (GRCh38, 1-based): chr19:855,702, C>A. VCF-style: chr19-855702-C-A. GRCh37 (hg19) VCF-style: chr19-855702-C-A.
Other names: short protein forms L169M.
Identifiers: ClinVar variation 944194 (VCV000944194.13), dbSNP rs749675557, ClinGen allele CA9026079.